The following is an entry in ClinVar:

NM_006231.4(POLE):c.6005-11C>G

Gene: POLE (DNA polymerase epsilon, catalytic subunit; minus strand). Cytogenetic location: 12q24.33.
Variant type: single nucleotide variant.
Coding change: c.6005-11C>G on transcript NM_006231.4 (MANE Select); 11 bases into the intron before coding-DNA position 6005, C replaced by G.
Molecular consequence: intron variant.
Genome position (GRCh38, 1-based): chr12:132,632,806, G>C on the plus strand (C>G on the coding strand, the complement: POLE is on the minus strand). VCF-style: chr12-132632806-G-C. GRCh37 (hg19) VCF-style: chr12-133209392-G-C.
Identifiers: ClinVar variation 1997968 (VCV001997968.4), dbSNP rs2541856483, ClinGen allele CA2580086165.

ClinVar aggregate classification (germline): Uncertain significance (1 of 4 stars; one submission).

Allele frequency attached by ClinVar (database versions not stated): gnomAD exomes below 0.00001.
gnomAD v4.1: 1 of 1,595,238 alleles (0.000063%); highest among the groups gnomAD compares: Non-Finnish European, 0.000085%; no homozygotes.

Submission:

Labcorp Genetics (formerly Invitae), Labcorp
Classification: Uncertain significance. Last evaluated: 2022-05-22. Review status: criteria provided, single submitter. Criteria: Invitae Variant Classification Sherloc (09022015). Collection method: clinical testing. Allele origin: germline.
Comment: In summary, the available evidence is currently insufficient to determine the role of this variant in disease. Therefore, it has been classified as a Variant of Uncertain Significance. Algorithms developed to predict the effect of sequence changes on RNA splicing suggest that this variant may create or strengthen a splice site. This variant has not been reported in the literature in individuals affected with POLE-related conditions. This variant is not present in population databases (gnomAD no frequency). This sequence change falls in intron 43 of the POLE gene. It does not directly change the encoded amino acid sequence of the POLE protein.